The following is an entry in ClinVar:

ClinVar aggregate classification (germline): Uncertain significance (1 of 4 stars; one submission).

Submission:

Labcorp Genetics (formerly Invitae), Labcorp
Classification: Uncertain significance. Last evaluated: 2025-01-11. Review status: criteria provided, single submitter. Criteria: Invitae Variant Classification Sherloc (09022015). Collection method: clinical testing. Allele origin: germline.
Comment: This sequence change replaces leucine, which is neutral and non-polar, with proline, which is neutral and non-polar, at codon 1223 of the SAMD9 protein (p.Leu1223Pro). This variant is not present in population databases (gnomAD no frequency). This variant has not been reported in the literature in individuals affected with SAMD9-related conditions. Invitae Evidence Modeling of protein sequence and biophysical properties (such as structural, functional, and spatial information, amino acid conservation, physicochemical variation, residue mobility, and thermodynamic stability) indicates that this missense variant is not expected to disrupt SAMD9 protein function with a negative predictive value of 95%. In summary, the available evidence is currently insufficient to determine the role of this variant in disease. Therefore, it has been classified as a Variant of Uncertain Significance.

NM_017654.4(SAMD9):c.3668T>C (p.Leu1223Pro)

Gene: SAMD9 (sterile alpha motif domain containing 9; minus strand). Cytogenetic location: 7q21.2.
Variant type: single nucleotide variant.
Coding change: c.3668T>C on transcript NM_017654.4 (MANE Select); coding-DNA position 3668, T replaced by C.
Protein change: p.Leu1223Pro; replaces leucine 1223 with proline.
Molecular consequence: missense variant.
Genome position (GRCh38, 1-based): chr7:93,102,430, A>G on the plus strand (T>C on the coding strand, the complement: SAMD9 is on the minus strand). VCF-style: chr7-93102430-A-G. GRCh37 (hg19) VCF-style: chr7-92731743-A-G.
Other names: c.3668T>C, p.Leu1223Pro (NM_001193307.2); short protein forms L1223P.
Identifiers: ClinVar variation 3636735 (VCV003636735.2).